The following is an entry in ClinVar:

NM_005188.4(CBL):c.960C>A (p.His320Gln)

Gene: CBL (Cbl proto-oncogene; plus strand). Cytogenetic location: 11q23.3.
Variant type: single nucleotide variant.
Coding change: c.960C>A on transcript NM_005188.4 (MANE Select); coding-DNA position 960, C replaced by A.
Protein change: p.His320Gln; replaces histidine 320 with glutamine.
Molecular consequence: missense variant.
Genome position (GRCh38, 1-based): chr11:119,276,087, C>A. VCF-style: chr11-119276087-C-A. GRCh37 (hg19) VCF-style: chr11-119146797-C-A.
Other names: c.960C>A (NM_005188.3); short protein forms H320Q.
Identifiers: ClinVar variation 1488761 (VCV001488761.7), dbSNP rs1949887450, ClinGen allele CA382911528.

ClinVar aggregate classification (germline): Uncertain significance. Review status: criteria provided, multiple submitters, no conflicts (2 of 4 stars). 2 submissions from 2 submitters: Uncertain significance (2). Last evaluated 2026-02-20.

Conditions:
RASopathy. Also called: Noonan spectrum disorder; rasopathies. Identifiers: Orphanet 536391, MedGen C5555857, MONDO:0021060.
CBL-related disorder. Also called: CBL MUTATION-ASSOCIATED SYNDROME; CBL SYNDROME; NOONAN SYNDROME-LIKE DISORDER WITHOUT JUVENILE MYELOMONOCYTIC LEUKEMIA. Identifiers: Orphanet 363972, MedGen C3150803, MONDO:0013308, OMIM 613563.

Submissions (2):

PreventionGenetics, part of Exact Sciences
Classification: Uncertain significance for CBL-related condition. Last evaluated: 2026-02-20. Review status: criteria provided, single submitter. Criteria: ACMG Guidelines, 2015. Collection method: clinical testing. Allele origin: germline.
Comment: The CBL c.960C>A variant is predicted to result in the amino acid substitution p.His320Gln. To our knowledge, this variant has not been reported in the literature or in a large population database (gnomAD), indicating this variant is rare. At this time, the clinical significance of this variant is uncertain due to the absence of conclusive functional and genetic evidence.

Labcorp Genetics (formerly Invitae), Labcorp
Classification: Uncertain significance for RASopathy. Last evaluated: 2025-06-07. Review status: criteria provided, single submitter. Criteria: Invitae Variant Classification Sherloc (09022015). Collection method: clinical testing. Allele origin: germline.
Comment: This sequence change replaces histidine, which is basic and polar, with glutamine, which is neutral and polar, at codon 320 of the CBL protein (p.His320Gln). This variant is not present in population databases (gnomAD no frequency). This variant has not been reported in the literature in individuals affected with CBL-related conditions. ClinVar contains an entry for this variant (Variation ID: 1488761). Invitae Evidence Modeling of protein sequence and biophysical properties (such as structural, functional, and spatial information, amino acid conservation, physicochemical variation, residue mobility, and thermodynamic stability) indicates that this missense variant is not expected to disrupt CBL protein function with a negative predictive value of 95%. In summary, the available evidence is currently insufficient to determine the role of this variant in disease. Therefore, it has been classified as a Variant of Uncertain Significance.